The following is an entry in ClinVar:

ClinVar aggregate classification (germline): Uncertain significance (1 of 4 stars; one submission).

Submission:

GeneDx
Classification: Uncertain significance. Last evaluated: 2019-08-19. Review status: criteria provided, single submitter. Criteria: GeneDx Variant Classification Process June 2021. Collection method: clinical testing. Allele origin: germline. Affected: yes.
Comment: Not observed in large population cohorts (Lek et al., 2016); In silico analysis, which includes protein predictors and evolutionary conservation, supports a deleterious effect; Has not been previously published as pathogenic or benign to our knowledge

NM_170606.3(KMT2C):c.11378A>T (p.Lys3793Ile)

Gene: KMT2C (lysine methyltransferase 2C; minus strand). Cytogenetic location: 7q36.1.
Variant type: single nucleotide variant.
Coding change: c.11378A>T on transcript NM_170606.3 (MANE Select); coding-DNA position 11378, A replaced by T.
Protein change: p.Lys3793Ile; replaces lysine 3793 with isoleucine.
Molecular consequence: missense variant.
Genome position (GRCh38, 1-based): chr7:152,162,199, T>A on the plus strand (A>T on the coding strand, the complement: KMT2C is on the minus strand). VCF-style: chr7-152162199-T-A. GRCh37 (hg19) VCF-style: chr7-151859284-T-A.
Other names: short protein forms K3793I.
Identifiers: ClinVar variation 1308094 (VCV001308094.2), dbSNP rs2129103601, ClinGen allele CA370100828.